The following is an entry in ClinVar:

NM_024426.6(WT1):c.725C>T (p.Ala242Val)

Gene: WT1 (WT1 transcription factor; minus strand). Cytogenetic location: 11p13.
Variant type: single nucleotide variant.
Coding change: c.725C>T on transcript NM_024426.6 (MANE Select); coding-DNA position 725, C replaced by T.
Protein change: p.Ala242Val; replaces alanine 242 with valine.
Molecular consequence: missense variant. On other transcripts: non-coding transcript variant (1).
Genome position (GRCh38, 1-based): chr11:32,428,556, G>A on the plus strand (C>T on the coding strand, the complement: WT1 is on the minus strand). VCF-style: chr11-32428556-G-A. GRCh37 (hg19) VCF-style: chr11-32450102-G-A.
Other names: c.725C>T, p.Ala242Val (NM_000378.6, NM_001407044.1, NM_001407045.1 and 4 more transcripts); c.74C>T, p.Ala25Val (NM_001198551.2, NM_001198552.2); c.-38C>T (NM_001407051.1); c.710C>T, p.Ala237Val (NM_024425.2); c.710C>T (NM_024426.4); short protein forms A242V, A25V, A237V.
Identifiers: ClinVar variation 1046371 (VCV001046371.11), dbSNP rs1853145265, ClinGen allele CA379963413.
Genomic context (GRCh38, chr11:32,428,556, plus strand): 5'-CCCAGCGAGCCCTGCTGGCCCATGGGATCCTCATGCTTGAATGAGTGGTTGGGGAACTGC[G>A]CCGCATGGTGCGAGGGCGTGTGACCGTAGCTGGGCGTCCCGTCGAAGGTGACCGTGCTGT-3'
Protein context (NP_077744.4, residues 232-252): SYGHTPSHHA[Ala242Val]QFPNHSFKHE

ClinVar aggregate classification (germline): Uncertain significance. Review status: criteria provided, multiple submitters, no conflicts (2 of 4 stars). 2 submissions from 2 submitters: Uncertain significance (2). Last evaluated 2026-04-21.

Conditions:
Inborn genetic diseases. Identifiers: MedGen C0950123, MeSH D030342.
Drash syndrome (DDS). Also called: NEPHROPATHY, WILMS TUMOR, AND GENITAL ANOMALIES; WILMS TUMOR AND PSEUDO- OR TRUE HERMAPHRODITISM. Identifiers: Orphanet 220, MedGen C0950121, MONDO:0008682, OMIM 194080.
Wilms tumor 1 (WT1). Also called: Wilms tumor, somatic. Identifiers: Orphanet 654, MedGen CN033288, MONDO:0008679, OMIM 194070.
11p partial monosomy syndrome (WAGR). Also called: CHROMOSOME 11p13 DELETION SYNDROME; WAGR Spectrum Disorder; WAGR syndrome; WAGR Complex. Identifiers: Orphanet 893, MedGen C0206115, MONDO:0008681, OMIM 194072.
Frasier syndrome. Identifiers: Orphanet 347, MedGen C0950122, MeSH D052159, MONDO:0007635, OMIM 136680.

Submissions (2):

Ambry Genetics
Classification: Uncertain significance for Inborn genetic diseases. Last evaluated: 2026-04-21. Review status: criteria provided, single submitter. Criteria: Ambry Variant Classification Scheme 2023. Collection method: clinical testing. Allele origin: germline.
Comment: The p.A237V variant (also known as c.710C>T), located in coding exon 2 of the WT1 gene, results from a C to T substitution at nucleotide position 710. The alanine at codon 237 is replaced by valine, an amino acid with similar properties. This amino acid position is well conserved in available vertebrate species. In addition, the in silico prediction for this alteration is inconclusive. Based on the available evidence, the clinical significance of this variant remains unclear.

Labcorp Genetics (formerly Invitae), Labcorp
Classification: Uncertain significance for Wilms tumor 1; Drash syndrome; 11p partial monosomy syndrome; Frasier syndrome. Last evaluated: 2019-12-11. Review status: criteria provided, single submitter. Criteria: Invitae Variant Classification Sherloc (09022015). Collection method: clinical testing. Allele origin: germline.
Comment: In summary, the available evidence is currently insufficient to determine the role of this variant in disease. Therefore, it has been classified as a Variant of Uncertain Significance. Algorithms developed to predict the effect of missense changes on protein structure and function (SIFT, PolyPhen-2, Align-GVGD) all suggest that this variant is likely to be tolerated, but these predictions have not been confirmed by published functional studies and their clinical significance is uncertain. This variant has not been reported in the literature in individuals with WT1-related conditions. This variant is not present in population databases (ExAC no frequency). This sequence change replaces alanine with valine at codon 237 of the WT1 protein (p.Ala237Val). The alanine residue is highly conserved and there is a small physicochemical difference between alanine and valine.